The following is an entry in ClinVar:

ClinVar aggregate classification (germline): Uncertain significance (1 of 4 stars; one submission).

Conditions:
Cohen syndrome (COH1). Also called: Cutis verticis gyrata, retinitis pigmentosa, and sensorineural deafness; PEPPER SYNDROME. Identifiers: Orphanet 193, MedGen C0265223, MONDO:0008999, OMIM 216550.

Allele frequency attached by ClinVar (database versions not stated): ExAC 0.00001; gnomAD exomes 0.00001.
gnomAD v4.1: 3 of 1,614,022 alleles (0.00019%); highest among the groups gnomAD compares: South Asian, 0.0011%; no homozygotes.

Submission:

Labcorp Genetics (formerly Invitae), Labcorp
Classification: Uncertain significance for Cohen syndrome. Last evaluated: 2022-04-29. Review status: criteria provided, single submitter. Criteria: Invitae Variant Classification Sherloc (09022015). Collection method: clinical testing. Allele origin: germline.
Comment: This sequence change replaces isoleucine, which is neutral and non-polar, with threonine, which is neutral and polar, at codon 956 of the VPS13B protein (p.Ile956Thr). This variant is present in population databases (rs367603630, gnomAD 0.006%). This variant has not been reported in the literature in individuals affected with VPS13B-related conditions. Algorithms developed to predict the effect of missense changes on protein structure and function are either unavailable or do not agree on the potential impact of this missense change (SIFT: "Not Available"; PolyPhen-2: "Possibly Damaging"; Align-GVGD: "Not Available"). In summary, the available evidence is currently insufficient to determine the role of this variant in disease. Therefore, it has been classified as a Variant of Uncertain Significance.

NM_152564.5(VPS13B):c.2867T>C (p.Ile956Thr)

Gene: VPS13B (vacuolar protein sorting 13 homolog B; plus strand). Cytogenetic location: 8q22.2.
Variant type: single nucleotide variant.
Coding change: c.2867T>C on transcript NM_152564.5 (MANE Select); coding-DNA position 2867, T replaced by C.
Protein change: p.Ile956Thr; replaces isoleucine 956 with threonine.
Molecular consequence: missense variant.
Genome position (GRCh38, 1-based): chr8:99,384,250, T>C. VCF-style: chr8-99384250-T-C. GRCh37 (hg19) VCF-style: chr8-100396478-T-C.
Other names: c.2867T>C, p.Ile956Thr (NM_017890.5); short protein forms I956T.
Identifiers: ClinVar variation 2130210 (VCV002130210.1), dbSNP rs367603630, ClinGen allele CA4823072.